The following is an entry in ClinVar:

NM_000064.4(C3):c.2969T>C (p.Met990Thr)

Gene: C3 (complement C3; minus strand). Cytogenetic location: 19p13.3.
Variant type: single nucleotide variant.
Coding change: c.2969T>C on transcript NM_000064.4 (MANE Select); coding-DNA position 2969, T replaced by C.
Protein change: p.Met990Thr; replaces methionine 990 with threonine.
Molecular consequence: missense variant.
Genome position (GRCh38, 1-based): chr19:6,694,616, A>G on the plus strand (T>C on the coding strand, the complement: C3 is on the minus strand). VCF-style: chr19-6694616-A-G. GRCh37 (hg19) VCF-style: chr19-6694627-A-G.
Other names: p.Met990Thr; short protein forms M990T.
Identifiers: ClinVar variation 4542290 (VCV004542290.1).

ClinVar aggregate classification (germline): Uncertain significance (1 of 4 stars; one submission).

Submission:

Mayo Clinic Laboratories, Mayo Clinic
Classification: Uncertain significance. Last evaluated: 2025-06-04. Review status: criteria provided, single submitter. Criteria: ACMG Guidelines, 2015. Collection method: clinical testing. Allele origin: germline. Observed: 1 variant allele.
Comment: BP4_moderate, PM2_supporting